The following is an entry in ClinVar:

NM_024301.5(FKRP):c.1384C>T (p.Pro462Ser)

Gene: FKRP (fukutin related protein; plus strand). Cytogenetic location: 19q13.32.
Variant type: single nucleotide variant.
Coding change: c.1384C>T on transcript NM_024301.5 (MANE Select); coding-DNA position 1384, C replaced by T.
Protein change: p.Pro462Ser; replaces proline 462 with serine.
Molecular consequence: missense variant.
Genome position (GRCh38, 1-based): chr19:46,756,834, C>T. VCF-style: chr19-46756834-C-T. GRCh37 (hg19) VCF-style: chr19-47260091-C-T.
Other names: c.1384C>T, p.Pro462Ser (NM_001039885.3); short protein forms P462S.
Identifiers: ClinVar variation 555554 (VCV000555554.16), dbSNP rs768606230, ClinGen allele CA9532308.

ClinVar aggregate classification (germline): Pathogenic/Likely pathogenic. Review status: criteria provided, multiple submitters, no conflicts (2 of 4 stars). 9 submissions from 9 submitters: Pathogenic (3); Likely pathogenic (3). 3 of the submissions do not count toward it. Last evaluated 2025-07-22.

Conditions:
Cardiovascular phenotype. Identifiers: MedGen CN230736.
Walker-Warburg congenital muscular dystrophy. Also called: Muscular dystrophy-dystroglycanopathy, type A; Walker-Warburg syndrome. Identifiers: Orphanet 899, MedGen C0265221, MONDO:0000171.
Autosomal recessive limb-girdle muscular dystrophy. Identifiers: Orphanet 102015, MedGen C2931907, MONDO:0015152.
Autosomal recessive limb-girdle muscular dystrophy type 2I. Also called: MUSCULAR DYSTROPHY-DYSTROGLYCANOPATHY (LIMB-GIRDLE), TYPE C, 5; MUSCULAR DYSTROPHY, LIMB-GIRDLE, TYPE 2I; MUSCULAR DYSTROPHY-DYSTROGLYCANOPATHY, LIMB-GIRDLE, FRKP-RELATED. Identifiers: Orphanet 34515, MedGen C1846672, MONDO:0011787, OMIM 607155.

Allele frequency attached by ClinVar (database versions not stated): ExAC 0.00001; gnomAD 0.00001; gnomAD exomes 0.00001; TOPMed 0.00001.
gnomAD v4.1: 19 of 1,600,784 alleles (0.0012%); highest among the groups gnomAD compares: Non-Finnish European, 0.0014%; no homozygotes.

Submissions (9):

Labcorp Genetics (formerly Invitae), Labcorp
Classification: Pathogenic for Walker-Warburg congenital muscular dystrophy. Last evaluated: 2025-07-22. Review status: criteria provided, single submitter. Criteria: Invitae Variant Classification Sherloc (09022015). Collection method: clinical testing. Allele origin: germline.
Comment: This sequence change replaces proline, which is neutral and non-polar, with serine, which is neutral and polar, at codon 462 of the FKRP protein (p.Pro462Ser). This variant is present in population databases (rs768606230, gnomAD 0.002%). This missense change has been observed in individuals with FKRP-related conditions (PMID: 12666124, 15883334, 16344347, 30919934). ClinVar contains an entry for this variant (Variation ID: 555554). Invitae Evidence Modeling of protein sequence and biophysical properties (such as structural, functional, and spatial information, amino acid conservation, physicochemical variation, residue mobility, and thermodynamic stability) indicates that this missense variant is expected to disrupt FKRP protein function with a positive predictive value of 95%. For these reasons, this variant has been classified as Pathogenic.

Ambry Genetics
Classification: Likely pathogenic for Cardiovascular phenotype. Last evaluated: 2025-04-07. Review status: criteria provided, single submitter. Criteria: Ambry Variant Classification Scheme 2023. Collection method: clinical testing. Allele origin: germline.
Comment: The p.P462S variant (also known as c.1384C>T), located in coding exon 1 of the FKRP gene, results from a C to T substitution at nucleotide position 1384. The proline at codon 462 is replaced by serine, an amino acid with similar properties. This variant has been identified in conjunction with other FKRP variant(s) in individual(s) with features consistent with FKRP-related dystroglycanopathies (Mercuri E et al. Ann Neurol, 2003 Apr;53:537-42; Boito CA et al. Arch Neurol, 2005 Dec;62:1894-9; Schwartz M et al. Neurology, 2005 May;64:1635-7; Cotta A et al. Arq Neuropsiquiatr, 2014 Sep;72:721-34; Johnson K et al. Skelet Muscle, 2018 Jul;8:23). This amino acid position is highly conserved in available vertebrate species. In addition, this alteration is predicted to be deleterious by in silico analysis. This variant is considered to be rare based on population cohorts in the Genome Aggregation Database (gnomAD). Based on the majority of available evidence to date, this variant is likely to be pathogenic.

Natera, Inc.
Classification: Likely pathogenic for Limb-girdle muscular dystrophy type 2I. Last evaluated: 2024-12-03. Review status: criteria provided, single submitter. Criteria: Natera Variant Classification Schema (03/2026). Collection method: clinical testing. Allele origin: germline.
Comment: The c.1384C>T variant in FKRP is a missense variant predicted to cause substitution of proline to serine at amino acid 462. This variant is rare in the general population with a frequency below the threshold expected for the associated phenotype(s). This variant has been observed in one or more individuals affected with the associated recessive disease, as either homozygous or compound heterozygous with a second variant (PMID: 16634037, 16344347). Computational prediction algorithms indicate this variant is likely to affect gene or protein function. Given the available evidence, this variant is classified as Likely Pathogenic.

Women's Health and Genetics/Laboratory Corporation of America, LabCorp
Classification: Pathogenic for Autosomal recessive limb-girdle muscular dystrophy. Last evaluated: 2023-07-26. Review status: criteria provided, single submitter. Criteria: LabCorp Variant Classification Summary - May 2015. Collection method: clinical testing. Allele origin: germline.
Comment: Variant summary: FKRP c.1384C>T (p.Pro462Ser) results in a non-conservative amino acid change in the encoded protein sequence. Five of five in-silico tools predict a damaging effect of the variant on protein function. The variant allele was found at a frequency of 9e-06 in 221310 control chromosomes (gnomAD). c.1384C>T has been reported in the literature as a biallelic genotype in multiple individuals affected with Limb-Girdle Muscular Dystrophy (e.g. Mercuri_2003, Boito_2005, Sveen_2006, Juntas-Morales_2021). These data indicate that the variant is very likely to be associated with disease. To our knowledge, no experimental evidence demonstrating an impact on protein function has been reported. The following publications have been ascertained in the context of this evaluation (PMID: 16344347, 34440373, 12666124, 16634037). Four ClinVar submitters have assessed the variant since 2014: two classified the variant as likely pathogenic and two as pathogenic. Based on the evidence outlined above, the variant was classified as pathogenic.

Genetics and Molecular Pathology, SA Pathology
Classification: Likely pathogenic for Autosomal recessive limb-girdle muscular dystrophy type 2I. Last evaluated: 2020-10-02. Review status: criteria provided, single submitter. Criteria: ACMG Guidelines, 2015. Collection method: clinical testing. Allele origin: germline. Inheritance: Autosomal recessive inheritance. Affected: yes.
Comment: The FKRP c.1384C>T missense variant is classified as LIKELY PATHOGENIC (PS4, PM3, PP3) The FKRP c.1384C>T missense variant is a single nucleotide change in exon 4 of the FKRP gene, which is predicted to change the amino acid proline at position 462 in the protein to serine. This variant has been reported in multiple patients with limb-girdle muscular dystrophy (PMID: 12666124, 16344347, 15883334, 30919934) (PS4). In these other patients, it has been detected in trans with a pathogenic variant in FKRP (PM3). This variant has been reported in dbSNP (rs768606230) but is rare in population databases (gnomAD allele frequency = 0.00092%, 2 het and 0 hom in 221310 sequenced alleles). This variant has been reported in ClinVar as likely pathogenic for Limb-girdle muscular dystrophy-dystroglycanopathy by another diagnostic laboratory (Variation ID: 555554). It is also reported as damaging for limb-girdle muscular dystrophy in the HGMD disease database (CM030975). Computational predictions support a deleterious effect on the gene or gene product (PP3).

Revvity Omics, Revvity
Classification: Pathogenic. Last evaluated: 2019-06-18. Review status: criteria provided, single submitter. Criteria: ACMG Guidelines, 2015. Collection method: clinical testing. Allele origin: germline.

Counsyl
Classification: Likely pathogenic for Autosomal recessive limb-girdle muscular dystrophy type 2I. Last evaluated: 2017-12-15. Review status: no assertion criteria provided. Collection method: clinical testing. Allele origin: unknown. Not counted in ClinVar's aggregate classification.

Genome Diagnostics Laboratory, Amsterdam University Medical Center
Classification: Likely pathogenic. Review status: no assertion criteria provided. Collection method: clinical testing. Allele origin: germline. Affected: yes. Study: VKGL Data-share Consensus. Not counted in ClinVar's aggregate classification.

Laboratory of Diagnostic Genome Analysis, Leiden University Medical Center (LUMC)
Classification: Pathogenic. Review status: no assertion criteria provided. Collection method: clinical testing. Allele origin: germline. Affected: yes. Study: VKGL Data-share Consensus. Not counted in ClinVar's aggregate classification.

Literature cited by the submitters: PubMed 12666124 (cited by 5 submitters); PubMed 15883334 (cited by 3 submitters); PubMed 16344347 (cited by 6 submitters); PubMed 30919934 (cited by Labcorp Genetics (formerly Invitae), Labcorp and Genetics and Molecular Pathology, SA Pathology); PubMed 25252238 (cited by Ambry Genetics); PubMed 30060766 (cited by Ambry Genetics); PubMed 16634037 (cited by 3 submitters); PubMed 34440373 (cited by Women's Health and Genetics/Laboratory Corporation of America, LabCorp).